The following is an entry in ClinVar:

NM_001204425.2(BIVM-ERCC5):c.1626+4A>G

Genes: BIVM-ERCC5 (BIVM-ERCC5 readthrough; plus strand), ERCC5 (ERCC excision repair 5, endonuclease; plus strand). Cytogenetic location: 13q33.1.
Variant type: single nucleotide variant.
Coding change: c.1626+4A>G on transcript NM_001204425.2; 4 bases into the intron after coding-DNA position 1626, A replaced by G.
Molecular consequence: intron variant.
Genome position (GRCh38, 1-based): chr13:102,852,297, A>G. VCF-style: chr13-102852297-A-G. GRCh37 (hg19) VCF-style: chr13-103504647-A-G.
Other names: c.264+4A>G (NM_000123.4).
Identifiers: ClinVar variation 1049551 (VCV001049551.1), dbSNP rs2140517480, ClinGen allele CA2499221941.

ClinVar aggregate classification (germline): Uncertain significance (0 of 4 stars; one submission).

Submission:

Department of Pathology and Laboratory Medicine, Sinai Health System
Classification: Uncertain significance. Review status: no assertion criteria provided. Collection method: clinical testing. Allele origin: unknown. Affected: yes. Study: The Canadian Open Genetics Repository (COGR).
Comment: The ERCC5 c.264+4A>G variant was not identified in the literature nor was it identified in dbSNP, ClinVar or in the following control databases: the 1000 Genomes Project, the NHLBI GO Exome Sequencing Project, or the Genome Aggregation Database (March 6, 2019, v2.1.1). The c.264+4A>G variant is located in the 5' splice region but does not affect the invariant +1 and +2 positions. However, positions +3 to +6 are part of the splicing consensus sequence and variants involving these positions sometimes affect splicing. In addition, 3 of 4 in silico or computational prediction software programs (SpliceSiteFinder, MaxEntScan, NNSPLICE, GeneSplicer) predict a greater than 10% difference in splicing. However, this has not been confirmed by RNA analysis and is not predictive enough to assumy pathogenicity. In summary, based on the above information the clinical significance of this variant cannot be determined with certainty at this time. This variant is classified as a variant of uncertain significance.